The following is an entry in ClinVar:

ClinVar aggregate classification (germline): Conflicting classifications of pathogenicity. Review status: criteria provided, conflicting classifications (1 of 4 stars). 2 submissions from 2 submitters: Uncertain significance (1); Likely benign (1). Last evaluated 2026-07-01.

Conditions:
Inborn genetic diseases. Identifiers: MedGen C0950123, MeSH D030342.

Allele frequency attached by ClinVar (database versions not stated): gnomAD exomes below 0.00001; gnomAD 0.00005; TOPMed 0.00007; 1000 Genomes Project 30x 0.00016; 1000 Genomes Project 0.00020.
gnomAD v4.1: 15 of 1,614,200 alleles (0.00093%); highest among the groups gnomAD compares: African/African-American, 0.013%; no homozygotes.

Submissions (2):

CeGaT Center for Human Genetics Tuebingen
Classification: Likely benign. Last evaluated: 2026-07-01. Review status: criteria provided, single submitter. Criteria: CeGaT Center For Human Genetics Tuebingen Variant Classification Criteria Version 2. Collection method: clinical testing. Allele origin: germline. Affected: yes. Observed: 1 variant allele.
Comment: KMT2C: BP1

Ambry Genetics
Classification: Uncertain significance for Inborn genetic diseases. Last evaluated: 2021-04-17. Review status: criteria provided, single submitter. Criteria: Ambry Variant Classification Scheme 2023. Collection method: clinical testing. Allele origin: germline.

NM_170606.3(KMT2C):c.12452C>T (p.Ser4151Phe)

Gene: KMT2C (lysine methyltransferase 2C; minus strand). Cytogenetic location: 7q36.1.
Variant type: single nucleotide variant.
Coding change: c.12452C>T on transcript NM_170606.3 (MANE Select); coding-DNA position 12452, C replaced by T.
Protein change: p.Ser4151Phe; replaces serine 4151 with phenylalanine.
Molecular consequence: missense variant.
Genome position (GRCh38, 1-based): chr7:152,152,779, G>A on the plus strand (C>T on the coding strand, the complement: KMT2C is on the minus strand). VCF-style: chr7-152152779-G-A. GRCh37 (hg19) VCF-style: chr7-151849864-G-A.
Other names: short protein forms S4151F.
Identifiers: ClinVar variation 2230692 (VCV002230692.3), dbSNP rs532797666, ClinGen allele CA169222959.
Genomic context (GRCh38, chr7:152,152,779, plus strand): 5'-GGAAATGGTACATTAGGCTGCTTCAGCCGGTAAGAGCTCACTAATCTGGGAGGGTTTGCA[G>A]ATCCTGGCGGAGGCCCACGGAGAAGTAAATGCTGTCGATACTCCAAACCCGGGTTGATTC-3'
Protein context (NP_733751.2, residues 4141-4161): HLLLRGPPPG[Ser4151Phe]ANPPRLVSSY